The following is an entry in ClinVar:

ClinVar aggregate classification (germline): Uncertain significance (1 of 4 stars; one submission).

Conditions:
Inborn genetic diseases. Identifiers: MedGen C0950123, MeSH D030342.

Submission:

Ambry Genetics
Classification: Uncertain significance for Inborn genetic diseases. Last evaluated: 2025-06-30. Review status: criteria provided, single submitter. Criteria: Ambry Variant Classification Scheme 2023. Collection method: clinical testing. Allele origin: germline.
Comment: The p.N107K variant (also known as c.321C>G), located in coding exon 3 of the ELANE gene, results from a C to G substitution at nucleotide position 321. The asparagine at codon 107 is replaced by lysine, an amino acid with similar properties. This amino acid position is conserved. In addition, the in silico prediction for this alteration is inconclusive. Based on the available evidence, the clinical significance of this variant remains unclear.

NM_001972.4(ELANE):c.321C>G (p.Asn107Lys)

Gene: ELANE (elastase, neutrophil expressed; plus strand). Cytogenetic location: 19p13.3.
Variant type: single nucleotide variant.
Coding change: c.321C>G on transcript NM_001972.4 (MANE Select); coding-DNA position 321, C replaced by G.
Protein change: p.Asn107Lys; replaces asparagine 107 with lysine.
Molecular consequence: missense variant.
Genome position (GRCh38, 1-based): chr19:853,358, C>G. VCF-style: chr19-853358-C-G. GRCh37 (hg19) VCF-style: chr19-853358-C-G.
Other names: short protein forms N107K.
Identifiers: ClinVar variation 4248060 (VCV004248060.1).